The following is an entry in ClinVar:

NM_001875.5(CPS1):c.948-1G>A

Gene: CPS1 (carbamoyl-phosphate synthase 1; plus strand). Cytogenetic location: 2q34.
Variant type: single nucleotide variant.
Coding change: c.948-1G>A on transcript NM_001875.5 (MANE Select); the canonical splice acceptor site of the intron before coding-DNA position 948, G replaced by A.
Molecular consequence: splice acceptor variant.
Genome position (GRCh38, 1-based): chr2:210,591,830, G>A. VCF-style: chr2-210591830-G-A. GRCh37 (hg19) VCF-style: chr2-211456554-G-A.
Other names: c.948-1G>A (NM_001369257.1, NM_001122633.3); c.981-1G>A (NM_001369256.1).
Identifiers: ClinVar variation 4814968 (VCV004814968.1).
Genomic context (GRCh38, chr2:210,591,830, plus strand): 5'-ACATTTATATTATTCTCTTCACTTTTCCTTTTCCCTATTCTTTTTCTCCTTTTCTCTCCA[G>A]AGGGCAGAATCAGCCTGTTTTGAATATCACAAACAAACAGGCTTTCATTACTGCTCAGAA-3'

ClinVar aggregate classification (germline): Likely pathogenic (1 of 4 stars; one submission).

Conditions:
Congenital hyperammonemia, type I. Also called: Carbamoyl phosphate synthetase I deficiency disease; CPS I DEFICIENCY; Carbamoyl phosphate synthetase 1 deficiency; Hyperammonemia due to carbamoyl phosphate synthetase 1 deficiency; CPS 1 deficiency; Carbamyl phosphate synthetase (CPS) deficiency. Identifiers: Orphanet 147, MedGen C4082171, MONDO:0009376, OMIM 237300.

gnomAD v4.1: 1 of 1,611,966 alleles (0.000062%); highest among the groups gnomAD compares: Non-Finnish European, 0.000085%; no homozygotes.

Submission:

Natera, Inc.
Classification: Likely pathogenic for Carbamoyl-phosphate synthase I deficiency. Last evaluated: 2024-07-23. Review status: criteria provided, single submitter. Criteria: Natera Variant Classification Schema (03/2026). Collection method: clinical testing. Allele origin: germline.
Comment: The c.948-1G>A variant in CPS1 is a canonical splice acceptor site variant predicted to affect pre-mRNA splicing, which may result in an abnormal transcript and altered protein product. This variant is expected to result in nonsense mediated decay, truncation, or a dysfunctional protein product. This variant is rare in the general population with a frequency below the threshold expected for the associated phenotype(s). Given the available evidence, this variant is classified as Likely Pathogenic.